The following is an entry in ClinVar:

NM_182961.4(SYNE1):c.17746C>G (p.Pro5916Ala)

Gene: SYNE1 (spectrin repeat containing nuclear envelope protein 1; minus strand). Cytogenetic location: 6q25.2.
Variant type: single nucleotide variant.
Coding change: c.17746C>G on transcript NM_182961.4 (MANE Select); coding-DNA position 17746, C replaced by G.
Protein change: p.Pro5916Ala; replaces proline 5916 with alanine.
Molecular consequence: missense variant.
Genome position (GRCh38, 1-based): chr6:152,294,064, G>C on the plus strand (C>G on the coding strand, the complement: SYNE1 is on the minus strand). VCF-style: chr6-152294064-G-C. GRCh37 (hg19) VCF-style: chr6-152615199-G-C.
Other names: c.17533C>G, p.Pro5845Ala (NM_033071.5); short protein forms P5845A, P5916A.
Identifiers: ClinVar variation 4535070 (VCV004535070.6).

ClinVar aggregate classification (germline): Uncertain significance (1 of 4 stars; one submission).

gnomAD v4.1: 1 of 1,613,924 alleles (0.000062%); highest among the groups gnomAD compares: Non-Finnish European, 0.000085%; no homozygotes.

Submission:

CeGaT Center for Human Genetics Tuebingen
Classification: Uncertain significance. Last evaluated: 2025-11-01. Review status: criteria provided, single submitter. Criteria: CeGaT Center For Human Genetics Tuebingen Variant Classification Criteria Version 2. Collection method: clinical testing. Allele origin: germline. Affected: yes. Observed: 1 variant allele.
Comment: SYNE1: PM2, BP4